The following is an entry in ClinVar:

NM_001122769.3(LCA5):c.720G>A (p.Lys240=)

Gene: LCA5 (lebercilin LCA5; minus strand). Cytogenetic location: 6q14.1.
Variant type: single nucleotide variant.
Coding change: c.720G>A on transcript NM_001122769.3 (MANE Select); coding-DNA position 720, G replaced by A.
Protein change: p.Lys240=; no amino-acid change (lysine 240 retained).
Molecular consequence: synonymous variant.
Genome position (GRCh38, 1-based): chr6:79,513,212, C>T on the plus strand (G>A on the coding strand, the complement: LCA5 is on the minus strand). VCF-style: chr6-79513212-C-T. GRCh37 (hg19) VCF-style: chr6-80222929-C-T.
Other names: c.720G>A, p.Lys240= (NM_181714.4).
Identifiers: ClinVar variation 4688574 (VCV004688574.1).

ClinVar aggregate classification (germline): Uncertain significance (1 of 4 stars; one submission).

Submission:

Women's Health and Genetics/Laboratory Corporation of America, LabCorp
Classification: Uncertain significance. Last evaluated: 2025-12-04. Review status: criteria provided, single submitter. Criteria: LabCorp Variant Classification Summary - May 2015. Collection method: clinical testing. Allele origin: germline.
Comment: Variant summary: LCA5 c.720G>A (p.Lys240Lys) alters a conserved nucleotide located close to a canonical splice site and therefore could affect mRNA splicing, leading to a significantly altered protein sequence. Several computational tools predict a significant impact on normal splicing: Four predict the variant abolishes the canonical 5' splicing donor site. However, these predictions have yet to be confirmed by functional studies. The variant was absent in 249914 control chromosomes. The available data on variant occurrences in the general population are insufficient to allow any conclusion about variant significance. To our knowledge, no occurrence of c.720G>A in individuals affected with LCA5-related conditions and no experimental evidence demonstrating its impact on protein function have been reported. No submitters have cited clinical-significance assessments for this variant to ClinVar. Based on the evidence outlined above, the variant was classified as uncertain significance.